The following is an entry in ClinVar:

NC_000023.11:g.101353352dup

Gene: BTK (Bruton tyrosine kinase; minus strand). Cytogenetic location: Xq22.1.
Variant type: Duplication.
Genome position: GRCh38 VCF-style: chrX-101353348-A-AC. GRCh37 (hg19) VCF-style: chrX-100608336-A-AC.
Identifiers: ClinVar variation 2769017 (VCV002769017.3), dbSNP rs2520528927, ClinGen allele CA2697544651.

ClinVar aggregate classification (germline): Pathogenic (1 of 4 stars; one submission).

Conditions:
X-linked agammaglobulinemia with growth hormone deficiency (IGHD3). Also called: FLEISHER SYNDROME; HYPOGAMMAGLOBULINEMIA AND ISOLATED GROWTH HORMONE DEFICIENCY, X-LINKED; IGHD III; ISOLATED GROWTH HORMONE DEFICIENCY, TYPE III, WITH AGAMMAGLOBULINEMIA; Isolated growth hormone deficiency type 3; Growth hormone deficiency with hypogammaglobulinemia. Identifiers: Orphanet 231692, Orphanet 631, MedGen C0472813, MONDO:0010615, OMIM 307200.

Submission:

Labcorp Genetics (formerly Invitae), Labcorp
Classification: Pathogenic for X-linked agammaglobulinemia with growth hormone deficiency. Last evaluated: 2023-06-04. Review status: criteria provided, single submitter. Criteria: Invitae Variant Classification Sherloc (09022015). Collection method: clinical testing. Allele origin: germline.
Comment: This variant has not been reported in the literature in individuals affected with BTK-related conditions. For these reasons, this variant has been classified as Pathogenic. This variant is not present in population databases (gnomAD no frequency). This sequence change creates a premature translational stop signal (p.Val585Glyfs*15) in the BTK gene. It is expected to result in an absent or disrupted protein product. Loss-of-function variants in BTK are known to be pathogenic (PMID: 15661032, 16862044, 19419768).

Literature cited by the submitters: PubMed 15661032; PubMed 16862044; PubMed 19419768.